The following is an entry in ClinVar:

ClinVar aggregate classification (germline): Likely benign. Review status: criteria provided, single submitter (1 of 4 stars). 2 submissions from 2 submitters: Likely benign (1). 1 of the submissions does not count toward it. Last evaluated 2024-01-02.

Conditions:
SEMA3E-related disorder. Also called: SEMA3E-related condition.
CHARGE syndrome (CHARGE). Also called: Hittner Hirsch Kreh syndrome; CHARGE ASSOCIATION--COLOBOMA, HEART ANOMALY, CHOANAL ATRESIA, RETARDATION, GENITAL AND EAR ANOMALIES; Coloboma, heart anomaly, choanal atresia, retardation, genital and ear anomalies; CHARGE association; Hall-Hittner syndrome. Identifiers: Orphanet 138, MedGen C0265354, MONDO:0008965.

Allele frequency attached by ClinVar (database versions not stated): gnomAD exomes 0.00001; TOPMed 0.00002; gnomAD 0.00003.
gnomAD v4.1: 20 of 1,613,192 alleles (0.0012%); highest among the groups gnomAD compares: Admixed American, 0.0033%; no homozygotes.

Submissions (2):

Labcorp Genetics (formerly Invitae), Labcorp
Classification: Likely benign for CHARGE syndrome. Last evaluated: 2024-01-02. Review status: criteria provided, single submitter. Criteria: Invitae Variant Classification Sherloc (09022015). Collection method: clinical testing. Allele origin: germline.

PreventionGenetics, part of Exact Sciences
Classification: Likely benign for SEMA3E-related condition. Last evaluated: 2022-04-04. Review status: no assertion criteria provided. Collection method: clinical testing. Allele origin: germline. Not counted in ClinVar's aggregate classification.
Comment: This variant is classified as likely benign based on ACMG/AMP sequence variant interpretation guidelines (Richards et al. 2015 PMID: 25741868, with internal and published modifications).

NM_012431.3(SEMA3E):c.1476T>A (p.Ile492=)

Gene: SEMA3E (semaphorin 3E; minus strand). Cytogenetic location: 7q21.11.
Variant type: single nucleotide variant.
Coding change: c.1476T>A on transcript NM_012431.3 (MANE Select); coding-DNA position 1476, T replaced by A.
Protein change: p.Ile492=; no amino-acid change (isoleucine 492 retained).
Molecular consequence: synonymous variant.
Genome position (GRCh38, 1-based): chr7:83,394,321, A>T on the plus strand (T>A on the coding strand, the complement: SEMA3E is on the minus strand). VCF-style: chr7-83394321-A-T. GRCh37 (hg19) VCF-style: chr7-83023637-A-T.
Other names: c.1476T>A (NM_012431.2); c.1296T>A, p.Ile432= (NM_001178129.2).
Identifiers: ClinVar variation 2736251 (VCV002736251.5), dbSNP rs529826573, ClinGen allele CA161163171.